The following is an entry in ClinVar:

ClinVar aggregate classification (germline): Conflicting classifications of pathogenicity. Review status: criteria provided, conflicting classifications (1 of 4 stars). 9 submissions from 9 submitters: Uncertain significance (7); Likely benign (2). Last evaluated 2026-04-13.

Conditions:
Hereditary cancer-predisposing syndrome. Also called: Tumor predisposition; Hereditary Cancer Syndrome; Neoplastic Syndromes, Hereditary; Hereditary neoplastic syndrome. Identifiers: Orphanet 140162, MedGen C0027672, MeSH D009386, MONDO:0015356.
Microcephaly, normal intelligence and immunodeficiency (NBS). Also called: IMMUNODEFICIENCY, MICROCEPHALY, AND CHROMOSOMAL INSTABILITY; BERLIN BREAKAGE SYNDROME; Immunodeficiency, microcephaly with normal intelligence; Ataxia telangiectasia variant V1; Nijmegen breakage syndrome; Microcephaly with normal intelligence immunodeficiency and lymphoreticular malignancies. Identifiers: Orphanet 647, MedGen C0398791, MONDO:0009623, OMIM 251260.

Allele frequency attached by ClinVar (database versions not stated): TOPMed 0.00001.
gnomAD v4.1: 16 of 1,612,992 alleles (0.00099%); highest among the groups gnomAD compares: Admixed American, 0.013%; 1 homozygote.

Submissions (9):

Women's Health and Genetics/Laboratory Corporation of America, LabCorp
Classification: Uncertain significance. Last evaluated: 2026-04-13. Review status: criteria provided, single submitter. Criteria: LabCorp Variant Classification Summary - May 2015. Collection method: clinical testing. Allele origin: germline.
Comment: Variant summary: NBN c.-2C>A is located in the untranslated mRNA region upstream of the initiation codon. The variant allele was found at a frequency of 1.2e-05 in 244888 control chromosomes. The available data on variant occurrences in the general population are insufficient to allow any conclusion about variant significance. c.-2C>A has been reported in the literature in at-least one individual undergoing clinical genetic testing based on a history of Lynch syndrome-associated cancer and/or polyps (Yurgelun_2015). This report does not provide unequivocal conclusions about association of the variant with Nijmegen Breakage Syndrome and/or NBN related cancer predisposition syndrome. To our knowledge, no experimental evidence demonstrating an impact on protein function has been reported. ClinVar contains an entry for this variant (Variation ID: 142021). Based on the evidence outlined above, the variant was classified as uncertain significance.

Mayo Clinic Laboratories, Mayo Clinic
Classification: Uncertain significance. Last evaluated: 2025-03-10. Review status: criteria provided, single submitter. Criteria: ACMG Guidelines, 2015. Collection method: clinical testing. Allele origin: germline. Observed: 1 variant allele.
Comment: BP4, PM2_supporting

Blueprint Genetics
Classification: Uncertain significance. Last evaluated: 2024-11-05. Review status: criteria provided, single submitter. Criteria: ACMG Guidelines, 2015. Collection method: clinical testing. Allele origin: germline.

Labcorp Genetics (formerly Invitae), Labcorp
Classification: Uncertain significance for Microcephaly, normal intelligence and immunodeficiency. Last evaluated: 2024-06-11. Review status: criteria provided, single submitter. Criteria: Invitae Variant Classification Sherloc (09022015). Collection method: clinical testing. Allele origin: germline.
Comment: This variant occurs in a non-coding region of the NBN gene. It does not change the encoded amino acid sequence of the NBN protein. This variant is present in population databases (rs202104448, gnomAD 0.0009%). This variant has not been reported in the literature in individuals affected with NBN-related conditions. ClinVar contains an entry for this variant (Variation ID: 142021). Experimental studies and prediction algorithms are not available or were not evaluated, and the functional significance of this variant is currently unknown. In summary, the available evidence is currently insufficient to determine the role of this variant in disease. Therefore, it has been classified as a Variant of Uncertain Significance.

Genome-Nilou Lab
Classification: Uncertain significance for Microcephaly, normal intelligence and immunodeficiency. Last evaluated: 2021-11-07. Review status: criteria provided, single submitter. Criteria: ACMG Guidelines, 2015. Collection method: clinical testing. Allele origin: germline. Affected: no.

Quest Diagnostics Nichols Institute San Juan Capistrano
Classification: Uncertain significance. Last evaluated: 2019-11-04. Review status: criteria provided, single submitter. Criteria: Quest Diagnostics criteria. Collection method: clinical testing. Allele origin: unknown.

GeneDx
Classification: Likely benign. Last evaluated: 2019-09-10. Review status: criteria provided, single submitter. Criteria: GeneDx Variant Classification Process June 2021. Collection method: clinical testing. Allele origin: germline. Affected: yes.
Comment: This variant is associated with the following publications: (PMID: 25980754, 24168161)

Ambry Genetics
Classification: Likely benign for Hereditary cancer-predisposing syndrome. Last evaluated: 2019-01-23. Review status: criteria provided, single submitter. Criteria: Ambry Variant Classification Scheme 2023. Collection method: clinical testing. Allele origin: germline.

Genetic Services Laboratory, University of Chicago
Classification: Uncertain significance. Last evaluated: 2016-02-26. Review status: criteria provided, single submitter. Criteria: ACMG Guidelines, 2015. Collection method: clinical testing. Allele origin: germline. Affected: no.

Literature cited by the submitters: PubMed 25980754 (cited by 3 submitters).

NM_002485.5(NBN):c.-2C>A

Gene: NBN (nibrin; minus strand). Cytogenetic location: 8q21.3.
Variant type: single nucleotide variant.
Coding change: c.-2C>A on transcript NM_002485.5 (MANE Select); 2 bases upstream of the start codon, C replaced by A.
Molecular consequence: 5 prime UTR variant.
Genome position (GRCh38, 1-based): chr8:89,984,563, G>T on the plus strand (C>A on the coding strand, the complement: NBN is on the minus strand). VCF-style: chr8-89984563-G-T. GRCh37 (hg19) VCF-style: chr8-90996791-G-T.
Other names: c.-298C>A (NM_001024688.3).
Identifiers: ClinVar variation 142021 (VCV000142021.27), dbSNP rs202104448, ClinGen allele CA167158.